The following is an entry in ClinVar:

NM_004380.3(CREBBP):c.2775G>A (p.Gln925=)

Gene: CREBBP (CREB binding lysine acetyltransferase; minus strand). Cytogenetic location: 16p13.3.
Variant type: single nucleotide variant.
Coding change: c.2775G>A on transcript NM_004380.3 (MANE Select); coding-DNA position 2775, G replaced by A.
Protein change: p.Gln925=; no amino-acid change (glutamine 925 retained).
Molecular consequence: synonymous variant.
Genome position (GRCh38, 1-based): chr16:3,770,675, C>T on the plus strand (G>A on the coding strand, the complement: CREBBP is on the minus strand). VCF-style: chr16-3770675-C-T. GRCh37 (hg19) VCF-style: chr16-3820676-C-T.
Other names: c.2661G>A, p.Gln887= (NM_001079846.1).
Identifiers: ClinVar variation 3355009 (VCV003355009.3).

ClinVar aggregate classification (germline): Likely benign. Review status: criteria provided, single submitter (1 of 4 stars). 2 submissions from 2 submitters: Likely benign (1). 1 of the submissions does not count toward it. Last evaluated 2024-12-31.

Conditions:
Rubinstein-Taybi syndrome (RSTS). Identifiers: Orphanet 783, MedGen C0035934, MONDO:0019188.
CREBBP-related disorder. Also called: CREBBP-related condition; CREBBP-related disorders.

gnomAD v4.1: 2 of 1,614,014 alleles (0.00012%); highest among the groups gnomAD compares: East Asian, 0.0045%; no homozygotes.

Submissions (2):

Labcorp Genetics (formerly Invitae), Labcorp
Classification: Likely benign for Rubinstein-Taybi syndrome. Last evaluated: 2024-12-31. Review status: criteria provided, single submitter. Criteria: Invitae Variant Classification Sherloc (09022015). Collection method: clinical testing. Allele origin: germline.

PreventionGenetics, part of Exact Sciences
Classification: Likely benign for CREBBP-related condition. Last evaluated: 2022-12-07. Review status: no assertion criteria provided. Collection method: clinical testing. Allele origin: germline. Not counted in ClinVar's aggregate classification.
Comment: This variant is classified as likely benign based on ACMG/AMP sequence variant interpretation guidelines (Richards et al. 2015 PMID: 25741868, with internal and published modifications).